The following is an entry in ClinVar:

ClinVar aggregate classification (germline): Uncertain significance. Review status: criteria provided, multiple submitters, no conflicts (2 of 4 stars). 2 submissions from 2 submitters: Uncertain significance (2). Last evaluated 2025-01-25.

Conditions:
Wilms tumor 1 (WT1). Also called: Wilms tumor, somatic. Identifiers: Orphanet 654, MedGen CN033288, MONDO:0008679, OMIM 194070.
11p partial monosomy syndrome (WAGR). Also called: CHROMOSOME 11p13 DELETION SYNDROME; WAGR Spectrum Disorder; WAGR syndrome; WAGR Complex. Identifiers: Orphanet 893, MedGen C0206115, MONDO:0008681, OMIM 194072.
Frasier syndrome. Identifiers: Orphanet 347, MedGen C0950122, MeSH D052159, MONDO:0007635, OMIM 136680.
Drash syndrome (DDS). Also called: NEPHROPATHY, WILMS TUMOR, AND GENITAL ANOMALIES; WILMS TUMOR AND PSEUDO- OR TRUE HERMAPHRODITISM. Identifiers: Orphanet 220, MedGen C0950121, MONDO:0008682, OMIM 194080.
Inborn genetic diseases. Identifiers: MedGen C0950123, MeSH D030342.

Submissions (2):

Ambry Genetics
Classification: Uncertain significance for Inborn genetic diseases. Last evaluated: 2025-01-25. Review status: criteria provided, single submitter. Criteria: Ambry Variant Classification Scheme 2023. Collection method: clinical testing. Allele origin: germline.
Comment: The p.Q353R variant (also known as c.1058A>G), located in coding exon 6 of the WT1 gene, results from an A to G substitution at nucleotide position 1058. The glutamine at codon 353 is replaced by arginine, an amino acid with highly similar properties. This amino acid position is conserved. In addition, this alteration is predicted to be deleterious by in silico analysis. Based on the available evidence, the clinical significance of this variant remains unclear.

Labcorp Genetics (formerly Invitae), Labcorp
Classification: Uncertain significance for Wilms tumor 1; Drash syndrome; 11p partial monosomy syndrome; Frasier syndrome. Last evaluated: 2017-12-03. Review status: criteria provided, single submitter. Criteria: Invitae Variant Classification Sherloc (09022015). Collection method: clinical testing. Allele origin: germline.
Comment: This variant is not present in population databases (ExAC no frequency). In summary, the available evidence is currently insufficient to determine the role of this variant in disease. Therefore, it has been classified as a Variant of Uncertain Significance. Algorithms developed to predict the effect of missense changes on protein structure and function (SIFT, PolyPhen-2, Align-GVGD) all suggest that this variant is likely to be disruptive, but these predictions have not been confirmed by published functional studies and their clinical significance is uncertain. This variant has not been reported in the literature in individuals with WT1-related disease. This sequence change replaces glutamine with arginine at codon 353 of the WT1 protein (p.Gln353Arg). The glutamine residue is highly conserved and there is a small physicochemical difference between glutamine and arginine.

NM_024426.6(WT1):c.1073A>G (p.Gln358Arg)

Gene: WT1 (WT1 transcription factor; minus strand). Cytogenetic location: 11p13.
Variant type: single nucleotide variant.
Coding change: c.1073A>G on transcript NM_024426.6 (MANE Select); coding-DNA position 1073, A replaced by G.
Protein change: p.Gln358Arg; replaces glutamine 358 with arginine.
Molecular consequence: missense variant. On other transcripts: 5 prime UTR variant (1), non-coding transcript variant (1).
Genome position (GRCh38, 1-based): chr11:32,399,988, T>C on the plus strand (A>G on the coding strand, the complement: WT1 is on the minus strand). VCF-style: chr11-32399988-T-C. GRCh37 (hg19) VCF-style: chr11-32421534-T-C.
Other names: c.1022A>G, p.Gln341Arg (NM_000378.6, NM_001407045.1, NM_001407048.1 and 1 more transcripts); c.422A>G, p.Gln141Arg (NM_001198551.2); c.371A>G, p.Gln124Arg (NM_001198552.2); c.-116A>G (NM_001367854.1); c.1067A>G, p.Gln356Arg (NM_001407044.1); c.1073A>G, p.Gln358Arg (NM_001407046.1, NM_024424.5); c.950A>G, p.Gln317Arg (NM_001407047.1); c.899A>G, p.Gln300Arg (NM_001407050.1); and 2 more; short protein forms Q358R, Q141R, Q124R, Q341R, Q104R, Q300R, Q317R, Q356R.
Identifiers: ClinVar variation 543135 (VCV000543135.11), dbSNP rs1554940518, ClinGen allele CA379960373.
Genomic context (GRCh38, chr11:32,399,988, plus strand): 5'-GGGCCTGTCTGTGTGCTCACCTGAATGCCTCTGAAGACACCGTGCGTGTGTATTCTGTAT[T>C]GGGCTCCGCAGAGGATGGGCGTTGTGTGGTTATCGCTCTCGTACCCTGTGCTGTGGCTGC-3'
Protein context (NP_077744.4, residues 348-368): NHTTPILCGA[Gln358Arg]YRIHTHGVFR